The following is an entry in ClinVar:

ClinVar aggregate classification (germline): Uncertain significance. Review status: criteria provided, multiple submitters, no conflicts (2 of 4 stars). 2 submissions from 2 submitters: Uncertain significance (2). Last evaluated 2026-02-02.

Conditions:
Ehlers-Danlos syndrome, musculocontractural type 2 (EDSMC2). Identifiers: Orphanet 2953, MedGen C3809845, MONDO:0014236, OMIM 615539.

Allele frequency attached by ClinVar (database versions not stated): gnomAD exomes below 0.00001; ExAC 0.00001; gnomAD 0.00001.
gnomAD v4.1: 10 of 1,614,006 alleles (0.00062%); highest among the groups gnomAD compares: Admixed American, 0.005%; no homozygotes.

Submissions (2):

Women's Health and Genetics/Laboratory Corporation of America, LabCorp
Classification: Uncertain significance. Last evaluated: 2026-02-02. Review status: criteria provided, single submitter. Criteria: LabCorp Variant Classification Summary - May 2015. Collection method: clinical testing. Allele origin: germline.
Comment: Variant summary: DSE c.2288G>A (p.Arg763Gln) results in a conservative amino acid change in the encoded protein sequence. Algorithms developed to predict the effect of missense changes on protein structure and function are either unavailable or do not agree on the potential impact of this missense change. The variant allele was found at a frequency of 8e-06 in 250760 control chromosomes (gnomAD). The available data on variant occurrences in the general population are insufficient to allow any conclusion about variant significance. To our knowledge, no occurrence of c.2288G>A in individuals affected with DSE-related conditions and no experimental evidence demonstrating its impact on protein function have been reported. ClinVar contains an entry for this variant (Variation ID: 2086037). Based on the evidence outlined above, the variant was classified as uncertain significance.

Labcorp Genetics (formerly Invitae), Labcorp
Classification: Uncertain significance for Ehlers-Danlos syndrome, musculocontractural type 2. Last evaluated: 2022-07-05. Review status: criteria provided, single submitter. Criteria: Invitae Variant Classification Sherloc (09022015). Collection method: clinical testing. Allele origin: germline.
Comment: This sequence change replaces arginine, which is basic and polar, with glutamine, which is neutral and polar, at codon 763 of the DSE protein (p.Arg763Gln). This variant is present in population databases (rs772848000, gnomAD 0.003%). This variant has not been reported in the literature in individuals affected with DSE-related conditions. Algorithms developed to predict the effect of missense changes on protein structure and function are either unavailable or do not agree on the potential impact of this missense change (SIFT: "Not Available"; PolyPhen-2: "Possibly Damaging"; Align-GVGD: "Not Available"). In summary, the available evidence is currently insufficient to determine the role of this variant in disease. Therefore, it has been classified as a Variant of Uncertain Significance.

NM_013352.4(DSE):c.2288G>A (p.Arg763Gln)

Gene: DSE (dermatan sulfate epimerase; plus strand). Cytogenetic location: 6q22.1.
Variant type: single nucleotide variant.
Coding change: c.2288G>A on transcript NM_013352.4 (MANE Select); coding-DNA position 2288, G replaced by A.
Protein change: p.Arg763Gln; replaces arginine 763 with glutamine.
Molecular consequence: missense variant. On other transcripts: 3 prime UTR variant (2), non-coding transcript variant (1).
Genome position (GRCh38, 1-based): chr6:116,436,756, G>A. VCF-style: chr6-116436756-G-A. GRCh37 (hg19) VCF-style: chr6-116757919-G-A.
Other names: c.2288G>A, p.Arg763Gln (NM_001080976.3, NM_001322937.2, NM_001322938.2); c.2345G>A, p.Arg782Gln (NM_001322939.2); c.1727G>A, p.Arg576Gln (NM_001322940.2, NM_001322941.2); c.*1153G>A (NM_001322943.2, NM_001322944.2); c.1289G>A, p.Arg430Gln (NM_001374520.1); c.1253G>A, p.Arg418Gln (NM_001374521.1); short protein forms R418Q, R576Q, R782Q, R430Q, R763Q.
Identifiers: ClinVar variation 2086037 (VCV002086037.3), dbSNP rs772848000, ClinGen allele CA3969787.